The following is an entry in ClinVar:

NM_194454.3(KRIT1):c.1147-4C>T

Gene: KRIT1 (KRIT1 ankyrin repeat containing; minus strand). Cytogenetic location: 7q21.2.
Variant type: single nucleotide variant.
Coding change: c.1147-4C>T on transcript NM_194454.3 (MANE Select); 4 bases into the intron before coding-DNA position 1147, C replaced by T.
Molecular consequence: intron variant.
Genome position (GRCh38, 1-based): chr7:92,225,831, G>A on the plus strand (C>T on the coding strand, the complement: KRIT1 is on the minus strand). VCF-style: chr7-92225831-G-A. GRCh37 (hg19) VCF-style: chr7-91855145-G-A.
Other names: c.1147-4C>T (NM_001350672.1, NM_001350676.1, NM_001350673.1 and 26 more transcripts); c.1003-4C>T (NM_001350669.1, NM_001013406.2, NM_001350670.1); c.433-4C>T (NM_001350671.1).
Identifiers: ClinVar variation 4279937 (VCV004279937.1).
Genomic context (GRCh38, chr7:92,225,831, plus strand): 5'-TTGTTTGTTTTCTTCACAAATATTTAATGGAGATCTTCCTTGTTGGTCTGTTATATGCTA[G>A]AAATGTGGGTGGGGAGGGGGAAAAAAGGCATTACATATTATGGTATTCTAAGGGAAAATG-3'

ClinVar aggregate classification (germline): Uncertain significance (1 of 4 stars; one submission).

Conditions:
Cerebral cavernous malformation (CCM). Also called: Cavernous Hemangioma of Brain; CAVERNOUS ANGIOMA, FAMILIAL; CAVERNOUS ANGIOMATOUS MALFORMATIONS; CEREBRAL CAPILLARY MALFORMATIONS; Cerebral cavernous hemangioma (type); Cerebral cavernous malformations. Identifiers: Orphanet 221061, MedGen C2919945, MONDO:0000820, OMIM 116860, HP:0033522.

Submission:

Clinical Genomics Laboratory, Washington University in St. Louis
Classification: Uncertain significance for Cerebral cavernous malformation. Last evaluated: 2025-02-12. Review status: criteria provided, single submitter. Criteria: ACMG Guidelines, 2015. Collection method: clinical testing. Allele origin: germline.
Comment: A KRIT1 c.1147-4C>T variant was identified at a near heterozygous allelic fraction of 46.5%, a frequency which may be consistent with it being of germline origin. This variant, to our knowledge, has not been reported in the medical literature and is absent from the general population (gnomAD v.4.1.0), indicating it is not a common variant. Computational predictors indicate that the variant has no impact on splicing, evidence that this variant does not have a damaging effect on KRIT1 function. Due to limited information, and based on ACMG/AMP guidelines for variant interpretation (Richards S et al., PMID: 25741868), the clinical significance of the KRIT1 c.1147-4C>T variant is uncertain at this time.